The following is an entry in ClinVar:

NM_181882.3(PRX):c.2909G>A (p.Arg970Gln)

Gene: PRX (periaxin; minus strand). Cytogenetic location: 19q13.2.
Variant type: single nucleotide variant.
Coding change: c.2909G>A on transcript NM_181882.3 (MANE Select); coding-DNA position 2909, G replaced by A.
Protein change: p.Arg970Gln; replaces arginine 970 with glutamine.
Molecular consequence: missense variant. On other transcripts: 3 prime UTR variant (1).
Genome position (GRCh38, 1-based): chr19:40,395,443, C>T on the plus strand (G>A on the coding strand, the complement: PRX is on the minus strand). VCF-style: chr19-40395443-C-T. GRCh37 (hg19) VCF-style: chr19-40901350-C-T.
Other names: p.Arg970Gln; c.*3114G>A (NM_020956.2); short protein forms R970Q.
Identifiers: ClinVar variation 573889 (VCV000573889.19), dbSNP rs764162630, ClinGen allele CA9443956.

ClinVar aggregate classification (germline): Uncertain significance. Review status: criteria provided, multiple submitters, no conflicts (2 of 4 stars). 5 submissions from 5 submitters: Uncertain significance (4). 1 of the submissions does not count toward it. Last evaluated 2022-03-03.

Conditions:
Charcot-Marie-Tooth disease type 4F. Also called: Charcot-Marie-Tooth disease, demyelinating, type 4F. Identifiers: Orphanet 99952, MedGen C3540453, MONDO:0013959, OMIM 614895.
Charcot-Marie-Tooth disease type 4. Also called: Charcot-Marie-Tooth disease, type IV; Charcot-Marie-Tooth, Type 4. Identifiers: Orphanet 64749, MedGen C4082197, MONDO:0018995.
Inborn genetic diseases. Identifiers: MedGen C0950123, MeSH D030342.
Charcot-Marie-Tooth disease. Also called: Charcot-Marie-Tooth Hereditary Neuropathy; Charcot-Marie-Tooth Neuropathy. Identifiers: Orphanet 166, MedGen C0007959, MONDO:0015626.

Allele frequency attached by ClinVar (database versions not stated): ExAC 0.00002; gnomAD exomes 0.00002; TOPMed 0.00002; gnomAD 0.00010.
gnomAD v4.1: 50 of 1,613,940 alleles (0.0031%); highest among the groups gnomAD compares: East Asian, 0.016%; no homozygotes.

Submissions (5):

Labcorp Genetics (formerly Invitae), Labcorp
Classification: Uncertain significance for Charcot-Marie-Tooth disease type 4. Last evaluated: 2022-03-03. Review status: criteria provided, single submitter. Criteria: Invitae Variant Classification Sherloc (09022015). Collection method: clinical testing. Allele origin: germline.
Comment: This sequence change replaces arginine, which is basic and polar, with glutamine, which is neutral and polar, at codon 970 of the PRX protein (p.Arg970Gln). This variant is present in population databases (rs764162630, gnomAD 0.03%). This missense change has been observed in individual(s) with autosomal recessive Charcot-Marie-Tooth disease (PMID: 19837996). ClinVar contains an entry for this variant (Variation ID: 573889). Algorithms developed to predict the effect of missense changes on protein structure and function (SIFT, PolyPhen-2, Align-GVGD) all suggest that this variant is likely to be tolerated. In summary, the available evidence is currently insufficient to determine the role of this variant in disease. Therefore, it has been classified as a Variant of Uncertain Significance.

Mayo Clinic Laboratories, Mayo Clinic
Classification: Uncertain significance. Last evaluated: 2021-05-13. Review status: criteria provided, single submitter. Criteria: ACMG Guidelines, 2015. Collection method: clinical testing. Allele origin: germline.

Ambry Genetics
Classification: Uncertain significance for Inborn genetic diseases. Last evaluated: 2020-11-25. Review status: criteria provided, single submitter. Criteria: Ambry Variant Classification Scheme 2023. Collection method: clinical testing. Allele origin: germline.
Comment: The p.R970Q variant (also known as c.2909G>A), located in coding exon 4 of the PRX gene, results from a G to A substitution at nucleotide position 2909. The arginine at codon 970 is replaced by glutamine, an amino acid with highly similar properties. This amino acid position is not well conserved in available vertebrate species. In addition, this alteration is predicted to be tolerated by in silico analysis. Since supporting evidence is limited at this time, the clinical significance of this alteration remains unclear.

Illumina Laboratory Services, Illumina
Classification: Uncertain significance for Charcot-Marie-Tooth disease type 4F. Last evaluated: 2018-01-13. Review status: criteria provided, single submitter. Criteria: ICSL Variant Classification Criteria 13 December 2019. Collection method: clinical testing. Allele origin: germline.

Inherited Neuropathy Consortium
Classification: Uncertain significance for Charcot-Marie-Tooth disease. Review status: no assertion criteria provided. Collection method: literature only. Allele origin: germline. Affected: yes. Not counted in ClinVar's aggregate classification.

Literature cited by the submitters: PubMed 19837996 (cited by Labcorp Genetics (formerly Invitae), Labcorp and Inherited Neuropathy Consortium).